The following is an entry in ClinVar:

ClinVar aggregate classification (germline): Uncertain significance (1 of 4 stars; one submission).

Submission:

GeneDx
Classification: Uncertain significance. Last evaluated: 2019-09-27. Review status: criteria provided, single submitter. Criteria: GeneDx Variant Classification Process June 2021. Collection method: clinical testing. Allele origin: germline. Affected: yes.
Comment: Not observed in large population cohorts (Lek et al., 2016); In silico analysis, which includes protein predictors and evolutionary conservation, supports a deleterious effect; Has not been previously published as pathogenic or benign to our knowledge

NM_000400.4(ERCC2):c.1816G>C (p.Glu606Gln)

Gene: ERCC2 (ERCC excision repair 2, TFIIH core complex helicase subunit; minus strand). Cytogenetic location: 19q13.32.
Variant type: single nucleotide variant.
Coding change: c.1816G>C on transcript NM_000400.4 (MANE Select); coding-DNA position 1816, G replaced by C.
Protein change: p.Glu606Gln; replaces glutamic acid 606 with glutamine.
Molecular consequence: missense variant.
Genome position (GRCh38, 1-based): chr19:45,353,098, C>G on the plus strand (G>C on the coding strand, the complement: ERCC2 is on the minus strand). VCF-style: chr19-45353098-C-G. GRCh37 (hg19) VCF-style: chr19-45856356-C-G.
Other names: short protein forms E606Q.
Identifiers: ClinVar variation 1196280 (VCV001196280.2), dbSNP rs1971878499, ClinGen allele CA406364136.
Genomic context (GRCh38, chr19:45,353,098, plus strand): 5'-GAGCTCTGGGAAGACACCTGGGGAGGAAGAGCCCAGTCCACTCACCAAAGTCGATTCCCT[C>G]GGACACTTTGCCCCGGGCCACTGACAGCAGGATGGCCCCGCGGCCATTCTCGCAGGCCTG-3'
Protein context (NP_000391.1, residues 596-616): LLSVARGKVS[Glu606Gln]GIDFVHHYGR